The following is an entry in ClinVar:

NM_001270454.2(WWP2):c.402C>T (p.Gly134=)

Gene: WWP2 (WW domain containing E3 ubiquitin protein ligase 2; plus strand). Cytogenetic location: 16q22.1.
Variant type: single nucleotide variant.
Coding change: c.402C>T on transcript NM_001270454.2 (MANE Select); coding-DNA position 402, C replaced by T.
Protein change: p.Gly134=; no amino-acid change (glycine 134 retained).
Molecular consequence: synonymous variant.
Genome position (GRCh38, 1-based): chr16:69,840,187, C>T. VCF-style: chr16-69840187-C-T. GRCh37 (hg19) VCF-style: chr16-69874090-C-T.
Other names: c.54C>T, p.Gly18= (NM_001270453.2); c.402C>T, p.Gly134= (NM_001270455.2, NM_007014.5).
Identifiers: ClinVar variation 3389082 (VCV003389082.14).

ClinVar aggregate classification (germline): Likely benign (1 of 4 stars; one submission).

gnomAD v4.1: 153 of 1,614,112 alleles (0.0095%); highest among the groups gnomAD compares: Middle Eastern, 0.016%; no homozygotes.

Submission:

CeGaT Center for Human Genetics Tuebingen
Classification: Likely benign. Last evaluated: 2024-11-01. Review status: criteria provided, single submitter. Criteria: CeGaT Center For Human Genetics Tuebingen Variant Classification Criteria Version 2. Collection method: clinical testing. Allele origin: germline. Affected: yes. Observed: 1 variant allele.
Comment: WWP2: BP4, BP7